The following is an entry in ClinVar:

NM_004104.5(FASN):c.7198G>A (p.Ala2400Thr)

Genes: FASN (fatty acid synthase; minus strand), LOC129390948 (MPRA-validated peak3028 silencer; plus strand). Cytogenetic location: 17q25.3.
Variant type: single nucleotide variant.
Coding change: c.7198G>A on transcript NM_004104.5 (MANE Select); coding-DNA position 7198, G replaced by A.
Protein change: p.Ala2400Thr; replaces alanine 2400 with threonine.
Molecular consequence: missense variant.
Genome position (GRCh38, 1-based): chr17:82,079,557, C>T on the plus strand (G>A on the coding strand, the complement: FASN is on the minus strand). VCF-style: chr17-82079557-C-T. GRCh37 (hg19) VCF-style: chr17-80037433-C-T.
Other names: short protein forms A2400T.
Identifiers: ClinVar variation 2889707 (VCV002889707.3), dbSNP rs879120964, ClinGen allele CA295201891.

ClinVar aggregate classification (germline): Uncertain significance (1 of 4 stars; one submission).

Conditions:
Epileptic encephalopathy. Identifiers: MedGen C0543888, HP:0200134.

Allele frequency attached by ClinVar (database versions not stated): gnomAD exomes 0.00001.
gnomAD v4.1: 9 of 1,606,922 alleles (0.00056%); highest among the groups gnomAD compares: Middle Eastern, 0.017%; no homozygotes.

Submission:

Labcorp Genetics (formerly Invitae), Labcorp
Classification: Uncertain significance for Epileptic encephalopathy. Last evaluated: 2023-08-28. Review status: criteria provided, single submitter. Criteria: Invitae Variant Classification Sherloc (09022015). Collection method: clinical testing. Allele origin: germline.
Comment: This sequence change replaces alanine, which is neutral and non-polar, with threonine, which is neutral and polar, at codon 2400 of the FASN protein (p.Ala2400Thr). The frequency data for this variant in the population databases is considered unreliable, as metrics indicate poor data quality at this position in the gnomAD database. This variant has not been reported in the literature in individuals affected with FASN-related conditions. Algorithms developed to predict the effect of missense changes on protein structure and function output the following: SIFT: "Not Available"; PolyPhen-2: "Benign"; Align-GVGD: "Not Available". The threonine amino acid residue is found in multiple mammalian species, which suggests that this missense change does not adversely affect protein function. In summary, the available evidence is currently insufficient to determine the role of this variant in disease. Therefore, it has been classified as a Variant of Uncertain Significance.